The following is an entry in ClinVar:

NM_001364905.1(LRBA):c.4799C>T (p.Ala1600Val)

Gene: LRBA (LPS responsive beige-like anchor protein; minus strand). Cytogenetic location: 4q31.3.
Variant type: single nucleotide variant.
Coding change: c.4799C>T on transcript NM_001364905.1 (MANE Select); coding-DNA position 4799, C replaced by T.
Protein change: p.Ala1600Val; replaces alanine 1600 with valine.
Molecular consequence: missense variant.
Genome position (GRCh38, 1-based): chr4:150,828,552, G>A on the plus strand (C>T on the coding strand, the complement: LRBA is on the minus strand). VCF-style: chr4-150828552-G-A. GRCh37 (hg19) VCF-style: chr4-151749704-G-A.
Other names: c.4799C>T, p.Ala1600Val (NM_001199282.3, NM_001367550.1, NM_006726.5); short protein forms A1600V.
Identifiers: ClinVar variation 1521629 (VCV001521629.6), dbSNP rs2126812038, ClinGen allele CA358444681.
Genomic context (GRCh38, chr4:150,828,552, plus strand): 5'-TCCACATGGCTTCCTAAACCAGTGGCTGTTTCTTCCCCAATGCCTGAGTCCCTCCTTCGA[G>A]CAGATGATGTGCTTTCAGATTCTTCCACTGATGCCGTAGTTAAAGTGCTGAATGCTGCTG-3'
Protein context (NP_001351834.1, residues 1590-1610): SVEESESTSS[Ala1600Val]RRRDSGIGEE

ClinVar aggregate classification (germline): Uncertain significance (1 of 4 stars; one submission).

Conditions:
Combined immunodeficiency due to LRBA deficiency. Also called: Common variable immunodeficiency 8, with autoimmunity. Identifiers: Orphanet 445018, MedGen C3553512, MONDO:0013863, OMIM 614700.

gnomAD v4.1: 1 of 1,614,084 alleles (0.000062%); highest among the groups gnomAD compares: Non-Finnish European, 0.000085%; no homozygotes.

Submission:

Labcorp Genetics (formerly Invitae), Labcorp
Classification: Uncertain significance for Combined immunodeficiency due to LRBA deficiency. Last evaluated: 2021-11-09. Review status: criteria provided, single submitter. Criteria: Invitae Variant Classification Sherloc (09022015). Collection method: clinical testing. Allele origin: germline.
Comment: Algorithms developed to predict the effect of missense changes on protein structure and function output the following: SIFT: "Tolerated"; PolyPhen-2: "Benign"; Align-GVGD: "Class C0". The valine amino acid residue is found in multiple mammalian species, which suggests that this missense change does not adversely affect protein function. In summary, the available evidence is currently insufficient to determine the role of this variant in disease. Therefore, it has been classified as a Variant of Uncertain Significance. This variant has not been reported in the literature in individuals affected with LRBA-related conditions. This variant is not present in population databases (gnomAD no frequency). This sequence change replaces alanine, which is neutral and non-polar, with valine, which is neutral and non-polar, at codon 1600 of the LRBA protein (p.Ala1600Val).